The following is an entry in ClinVar:

NM_001105206.3(LAMA4):c.1271A>T (p.Gln424Leu)

Gene: LAMA4 (laminin subunit alpha 4; minus strand). Cytogenetic location: 6q21.
Variant type: single nucleotide variant.
Coding change: c.1271A>T on transcript NM_001105206.3 (MANE Select); coding-DNA position 1271, A replaced by T.
Protein change: p.Gln424Leu; replaces glutamine 424 with leucine.
Molecular consequence: missense variant.
Genome position (GRCh38, 1-based): chr6:112,175,399, T>A on the plus strand (A>T on the coding strand, the complement: LAMA4 is on the minus strand). VCF-style: chr6-112175399-T-A. GRCh37 (hg19) VCF-style: chr6-112496601-T-A.
Other names: c.1250A>T, p.Gln417Leu (NM_001105207.3, NM_002290.5); short protein forms Q417L, Q424L.
Identifiers: ClinVar variation 2447547 (VCV002447547.2), dbSNP rs1667075058, ClinGen allele CA365371881.

ClinVar aggregate classification (germline): Uncertain significance (1 of 4 stars; one submission).

Conditions:
Cardiovascular phenotype. Identifiers: MedGen CN230736.

Submission:

Ambry Genetics
Classification: Uncertain significance for Cardiovascular phenotype. Last evaluated: 2022-11-27. Review status: criteria provided, single submitter. Criteria: Ambry Variant Classification Scheme 2023. Collection method: clinical testing. Allele origin: germline.
Comment: The p.Q417L variant (also known as c.1250A>T), located in coding exon 10 of the LAMA4 gene, results from an A to T substitution at nucleotide position 1250. The glutamine at codon 417 is replaced by leucine, an amino acid with dissimilar properties. This amino acid position is conserved. In addition, this alteration is predicted to be tolerated by in silico analysis. Since supporting evidence is limited at this time, the clinical significance of this alteration remains unclear.